The following is an entry in ClinVar:

ClinVar aggregate classification (germline): Conflicting classifications of pathogenicity. Review status: criteria provided, conflicting classifications (1 of 4 stars). 7 submissions from 7 submitters: Uncertain significance (4); Likely benign (1). 2 of the submissions do not count toward it. Last evaluated 2026-01-19.

Conditions:
FLNC-related disorder. Also called: FLNC-related condition; FLNC-related disorders.
Hypertrophic cardiomyopathy 26. Also called: Cardiomyopathy, familial hypertrophic, 26. Identifiers: Orphanet 75249, MedGen C4310749, MONDO:0014883, OMIM 617047.
Distal myopathy with posterior leg and anterior hand involvement. Also called: WILLIAMS DISTAL MYOPATHY. Identifiers: Orphanet 63273, MedGen C3279722, MONDO:0013550, OMIM 614065.
Myofibrillar myopathy 5. Also called: Filaminopathy (type); FILAMINOPATHY, AUTOSOMAL DOMINANT. Identifiers: Orphanet 171445, MedGen C1836050, MONDO:0012289, OMIM 609524.
Cardiovascular phenotype. Identifiers: MedGen CN230736.

Allele frequency attached by ClinVar (database versions not stated): gnomAD exomes 0.00003; TOPMed 0.00007; gnomAD 0.00009; ExAC 0.00002.

Submissions (7):

Labcorp Genetics (formerly Invitae), Labcorp
Classification: Likely benign for Distal myopathy with posterior leg and anterior hand involvement; Myofibrillar myopathy 5; Hypertrophic cardiomyopathy 26. Last evaluated: 2026-01-19. Review status: criteria provided, single submitter. Criteria: Invitae Variant Classification Sherloc (09022015). Collection method: clinical testing. Allele origin: germline.

PreventionGenetics, part of Exact Sciences
Classification: Uncertain significance for FLNC-related condition. Last evaluated: 2025-06-03. Review status: criteria provided, single submitter. Criteria: ACMG Guidelines, 2015. Collection method: clinical testing. Allele origin: germline.
Comment: The FLNC c.5888C>T variant is predicted to result in the amino acid substitution p.Thr1963Met. This variant has been reported in an individual with hypertrophic cardiomyopathy (Cui et al. 2018. PubMed ID: 30411535). This variant is reported in 0.017% of alleles in individuals of African descent in gnomAD. At this time, the clinical significance of this variant is uncertain due to the absence of conclusive functional and genetic evidence.

Ambry Genetics
Classification: Uncertain significance for Cardiovascular phenotype. Last evaluated: 2023-04-26. Review status: criteria provided, single submitter. Criteria: Ambry Variant Classification Scheme 2023. Collection method: clinical testing. Allele origin: germline.
Comment: The p.T1963M variant (also known as c.5888C>T), located in coding exon 36 of the FLNC gene, results from a C to T substitution at nucleotide position 5888. The threonine at codon 1963 is replaced by methionine, an amino acid with similar properties. This variant has been detected in an individual from a hypertrophic cardiomyopathy cohort; however, details were limited (Cui H et al. Mol Genet Genomic Med, 2018 11;6:1104-1113). This amino acid position is well conserved in available vertebrate species. In addition, this alteration is predicted to be tolerated by in silico analysis. Since supporting evidence is limited at this time, the clinical significance of this alteration remains unclear.

Victorian Clinical Genetics Services, Murdoch Childrens Research Institute
Classification: Uncertain significance for Hypertrophic cardiomyopathy 26. Last evaluated: 2021-05-06. Review status: criteria provided, single submitter. Criteria: ACMG Guidelines, 2015. Collection method: clinical testing. Allele origin: germline. Inheritance: Autosomal dominant inheritance. Affected: yes.
Comment: Based on the classification scheme VCGS_Germline_v1.3.4, this variant is classified as VUS-3B. Following criteria are met: 0103 - Loss of function and gain of function are known mechanisms of disease in this gene. Loss of function is the established mechanism of disease for variants in dilated cardiomyopathy, hypertrophic cardiomyopathy, restrictive cardiomyopathy (MIM#617047) and myofibrillar myopathy (MIM#609524). In distal myopathy (MIM#614065), NMD-predicted variants cause a loss of function, however missense variants have been shown to result in a toxic gain of function (PMID: 32112656). (I) 0107 - This gene is associated with autosomal dominant disease. Variants located throughout the gene that are predicted to result in nonsense-mediated decay (NMD) are enriched in dilated cardiomyopathy, whereas missense variants in the ROD2 domain are enriched in hypertrophic cardiomyopathy and restrictive cardiomyopathy (MIM#617047). Additionally, myofibrillar myopathy (MIM#609524) is known to result from either missense variants in the ROD2 domain or truncating variants in the Ig-like domain 24, while missense variants in the actin-binding domain and NMD-predicted variants located in the Ig-like domain 15 and have been reported for distal myopathy (MIM#614065) (PMID: 32112656). 0200 - Variant is predicted to result in a missense amino acid change from threonine to methionine. (I) 0251 - This variant is heterozygous. (I) 0302 - Variant is present in gnomAD (v3) <0.001 for a dominant condition (13 heterozygotes, 0 homozygotes). (SP) 0309 - An alternative amino acid change at the same position has been observed in gnomAD (v3) (1 heterozygote, 0 homozygotes). (I) 0502 - Missense variant with conflicting in silico predictions and uninformative conservation. (I) 0600 - Variant is located in the annotated immunoglobulin (Ig)-like 18 repeat of the ROD2 domain (PMID: 32112656). (I) 0710 - Another missense variant comparable to the one identified in this case has inconclusive previous evidence for pathogenicity. An alternate change to lysine at the same residue has previously been reported as a VUS (ClinVar). (I) 0809 - Previous evidence of pathogenicity for this variant is inconclusive. The variant has previously been reported in association with HCM and has been classified as a VUS in at least four individuals (ClinVar, LOVD, PMID: 30411535, PMID: 32112656). (I) 0905 - No published segregation evidence has been identified for this variant. (I) 1007 - No published functional evidence has been identified for this variant. (I) 1208 - Inheritance information for this variant is not currently available in this individual. (I) Legend: (SP) - Supporting pathogenic, (I) - Information, (SB) - Supporting benign

GeneDx
Classification: Uncertain significance. Last evaluated: 2020-05-11. Review status: criteria provided, single submitter. Criteria: GeneDx Variant Classification Process June 2021. Collection method: clinical testing. Allele origin: germline. Affected: yes.
Comment: Reported in an individual with HCM (Cui et al., 2018); Reported in ClinVar as a variant of uncertain significance (ClinVar Variant ID# 567356; Landrum et al., 2016); In silico analysis supports that this missense variant does not alter protein structure/function; This variant is associated with the following publications: (PMID: 30411535)

Diagnostic Laboratory, Department of Genetics, University Medical Center Groningen
Classification: Uncertain significance. Review status: no assertion criteria provided. Collection method: clinical testing. Allele origin: germline. Affected: yes. Study: VKGL Data-share Consensus. Not counted in ClinVar's aggregate classification.

Genome Diagnostics Laboratory, University Medical Center Utrecht
Classification: Uncertain significance. Review status: no assertion criteria provided. Collection method: clinical testing. Allele origin: germline. Affected: yes. Study: VKGL Data-share Consensus. Not counted in ClinVar's aggregate classification.

Literature cited by the submitters: PubMed 30411535 (cited by Ambry Genetics and Victorian Clinical Genetics Services, Murdoch Childrens Research Institute); PubMed 32112656 (cited by Victorian Clinical Genetics Services, Murdoch Childrens Research Institute).

NM_001458.5(FLNC):c.5888C>T (p.Thr1963Met)

Genes: FLNC (filamin C; plus strand), FLNC-AS1 (FLNC antisense RNA 1; minus strand). Cytogenetic location: 7q32.1.
Variant type: single nucleotide variant.
Coding change: c.5888C>T on transcript NM_001458.5 (MANE Select); coding-DNA position 5888, C replaced by T.
Protein change: p.Thr1963Met; replaces threonine 1963 with methionine.
Molecular consequence: missense variant.
Genome position (GRCh38, 1-based): chr7:128,852,636, C>T. VCF-style: chr7-128852636-C-T. GRCh37 (hg19) VCF-style: chr7-128492690-C-T.
Other names: c.5789C>T, p.Thr1930Met (NM_001127487.2); short protein forms T1963M, T1930M.
Identifiers: ClinVar variation 567356 (VCV000567356.21), dbSNP rs772580545, ClinGen allele CA4475825.